The following is an entry in ClinVar:

NM_001002295.2(GATA3):c.800G>C (p.Cys267Ser)

Gene: GATA3 (GATA binding protein 3; plus strand). Cytogenetic location: 10p14.
Variant type: single nucleotide variant.
Coding change: c.800G>C on transcript NM_001002295.2 (MANE Select); coding-DNA position 800, G replaced by C.
Protein change: p.Cys267Ser; replaces cysteine 267 with serine.
Molecular consequence: missense variant.
Genome position (GRCh38, 1-based): chr10:8,064,014, G>C. VCF-style: chr10-8064014-G-C. GRCh37 (hg19) VCF-style: chr10-8105977-G-C.
Other names: c.797G>C, p.Cys266Ser (NM_002051.3); short protein forms C266S, C267S.
Identifiers: ClinVar variation 2814637 (VCV002814637.3), dbSNP rs2131500432, ClinGen allele CA375973419.

ClinVar aggregate classification (germline): Uncertain significance (1 of 4 stars; one submission).

Submission:

Labcorp Genetics (formerly Invitae), Labcorp
Classification: Uncertain significance. Last evaluated: 2024-10-16. Review status: criteria provided, single submitter. Criteria: Invitae Variant Classification Sherloc (09022015). Collection method: clinical testing. Allele origin: germline.
Comment: This sequence change replaces cysteine, which is neutral and slightly polar, with serine, which is neutral and polar, at codon 267 of the GATA3 protein (p.Cys267Ser). This variant is not present in population databases (gnomAD no frequency). This variant has not been reported in the literature in individuals affected with GATA3-related conditions. Invitae Evidence Modeling of protein sequence and biophysical properties (such as structural, functional, and spatial information, amino acid conservation, physicochemical variation, residue mobility, and thermodynamic stability) indicates that this missense variant is expected to disrupt GATA3 protein function with a positive predictive value of 80%. In summary, the available evidence is currently insufficient to determine the role of this variant in disease. Therefore, it has been classified as a Variant of Uncertain Significance.